The following is an entry in ClinVar:

NM_000518.5(HBB):c.103G>T (p.Val35Phe)

Genes: HBB (hemoglobin subunit beta; minus strand), LOC106099062 (HBB recombination region; plus strand), LOC107133510 (origin of replication at HBB; plus strand). Cytogenetic location: 11p15.4.
Variant type: single nucleotide variant.
Coding change: c.103G>T on transcript NM_000518.5 (MANE Select); coding-DNA position 103, G replaced by T.
Protein change: p.Val35Phe; replaces valine 35 with phenylalanine.
Molecular consequence: missense variant.
Genome position (GRCh38, 1-based): chr11:5,226,789, C>A on the plus strand (G>T on the coding strand, the complement: HBB is on the minus strand). VCF-style: chr11-5226789-C-A. GRCh37 (hg19) VCF-style: chr11-5248019-C-A.
Other names: V34F; Hb Pitie-Salpetriere; short protein forms V35F.
Identifiers: ClinVar variation 15312 (VCV000015312.3), dbSNP rs1141387, ClinGen allele CA125104.

ClinVar aggregate classification (germline): Likely pathogenic. Review status: criteria provided, multiple submitters, no conflicts (2 of 4 stars). 4 submissions from 3 submitters: Likely pathogenic (2). 2 of the submissions do not count toward it. Last evaluated 2024-03-07.

Conditions:
Erythrocytosis, familial, 6. Also called: POLYCYTHEMIA, BETA-GLOBIN TYPE; ERYTHROCYTOSIS, BETA-GLOBIN TYPE. Identifiers: MedGen C4693822, MONDO:0054801, OMIM 617980.
Hb SS disease (SCD). Also called: Hemoglobin SS; Sickle cell anemia; Sickle cell disease; HbS disease; Hemoglobin S Disease; Sickling disorder due to hemoglobin S. Identifiers: Orphanet 232, Orphanet 275752, MedGen C0002895, MONDO:0011382, OMIM 603903.
Heinz body anemia. Also called: Heinz body hemolytic anemia. Identifiers: Orphanet 178330, MedGen C0700299, MONDO:0007705, OMIM 140700, HP:0005511.
Dominant beta-thalassemia. Also called: Beta-thalassemia, dominant inclusion body type. Identifiers: Orphanet 231226, Orphanet 848, MedGen C1858990, MONDO:0011381, OMIM 603902.
Beta-thalassemia HBB/LCRB. Identifiers: MedGen CN322236, MONDO:0013517, OMIM 613985.
METHEMOGLOBINEMIA, BETA TYPE. Also called: Methemoglobinemia, beta-globin type. Identifiers: MedGen C1840779, OMIM 617971.
Malaria, susceptibility to. Identifiers: Orphanet 673, MedGen C1970028, MONDO:0021024, OMIM 611162.
Hereditary persistence of fetal hemoglobin. Identifiers: MedGen C0019025, MONDO:0020989, OMIM 141749.
Erythrocytosis. Identifiers: MedGen C1527405.

Submissions (4):

Fulgent Genetics
Classification: Likely pathogenic for Heinz body anemia; Hereditary persistence of fetal hemoglobin; Dominant beta-thalassemia; Hb SS disease; Malaria, susceptibility to; Beta-thalassemia HBB/LCRB; METHEMOGLOBINEMIA, BETA TYPE; Erythrocytosis, familial, 6. Last evaluated: 2024-03-07. Review status: criteria provided, single submitter. Criteria: ACMG Guidelines, 2015. Collection method: clinical testing. Allele origin: germline.

Quest Diagnostics Nichols Institute San Juan Capistrano
Classification: Likely pathogenic. Last evaluated: 2020-02-24. Review status: criteria provided, single submitter. Criteria: Quest Diagnostics criteria. Collection method: clinical testing. Allele origin: unknown.
Comment: Not found in the total gnomAD dataset, and the data is high quality. Found in at least one patient with expected phenotype for this gene. Predicted to have a damaging effect on the protein. Assessment of experimental evidence suggests this variant results in abnormal protein function.

OMIM
Classification: Pathogenic for HEMOGLOBIN PITIE-SALPETRIERE. Last evaluated: 1980-08-21. Review status: no assertion criteria provided. Collection method: literature only. Allele origin: germline. Not counted in ClinVar's aggregate classification.

OMIM
Classification: Pathogenic for ERYTHROCYTOSIS 6. Last evaluated: 1980-08-21. Review status: no assertion criteria provided. Collection method: literature only. Allele origin: germline. Not counted in ClinVar's aggregate classification.

Literature cited by the submitters: PubMed 7417488 (cited by Quest Diagnostics Nichols Institute San Juan Capistrano and OMIM); PubMed 10846826 (cited by Quest Diagnostics Nichols Institute San Juan Capistrano); PubMed 19429541 (cited by Quest Diagnostics Nichols Institute San Juan Capistrano); PubMed 7295777 (cited by Quest Diagnostics Nichols Institute San Juan Capistrano).